The following is an entry in ClinVar:

NM_001190737.2(NFIB):c.265C>T (p.Arg89Ter)

Gene: NFIB (nuclear factor I B; minus strand). Cytogenetic location: 9p22.3.
Variant type: single nucleotide variant.
Coding change: c.265C>T on transcript NM_001190737.2 (MANE Select); coding-DNA position 265, C replaced by T.
Protein change: p.Arg89Ter; replaces arginine 89 with a stop codon.
Molecular consequence: nonsense.
Genome position (GRCh38, 1-based): chr9:14,307,286, G>A on the plus strand (C>T on the coding strand, the complement: NFIB is on the minus strand). VCF-style: chr9-14307286-G-A. GRCh37 (hg19) VCF-style: chr9-14307285-G-A.
Other names: c.265C>T, p.Arg89Ter (NM_005596.3, NM_001369461.1, NM_001369464.1 and 4 more transcripts); c.343C>T, p.Arg115Ter (NM_001190738.2); c.331C>T, p.Arg111Ter (NM_001369458.1, NM_001369459.1, NM_001369462.1 and 1 more transcripts); c.253C>T, p.Arg85Ter (NM_001369460.1, NM_001369463.1, NM_001369466.1 and 4 more transcripts); c.238C>T, p.Arg80Ter (NM_001369465.1, NM_001369467.1, NM_001369476.1); c.121C>T, p.Arg41Ter (NM_001369469.1); c.250C>T, p.Arg84Ter (NM_001369474.1); short protein forms R89*, R115*, R41*, R80*, R84*, R111*, R85*.
Identifiers: ClinVar variation 424344 (VCV000424344.10), dbSNP rs764333096, ClinGen allele CA16618822.

ClinVar aggregate classification (germline): Pathogenic/Likely pathogenic. Review status: criteria provided, multiple submitters, no conflicts (2 of 4 stars). 10 submissions from 10 submitters: Pathogenic (5); Likely pathogenic (3). 2 of the submissions do not count toward it. Last evaluated 2025-09-25.

Conditions:
Intellectual disability. Also called: Intellectual functioning disability; intellectual disabilities; Intellectual developmental disorder. Identifiers: MedGen C3714756, MeSH D008607, MONDO:0001071, HP:0001249.
Macrocephaly. Also called: large head; Macrocephalus. Identifiers: MedGen C2243051, HP:0000256.
Macrocephaly, acquired, with impaired intellectual development. Also called: MACROCEPHALY, ACQUIRED, WITH MENTAL RETARDATION. Identifiers: MedGen C4748993, MONDO:0032658, OMIM 618286.
NFIB-related disorder. Also called: NFIB-related condition.

Submissions (10):

Variantyx, Inc.
Classification: Pathogenic for Macrocephaly, acquired, with impaired intellectual development. Last evaluated: 2025-09-25. Review status: criteria provided, single submitter. Criteria: Variantyx Assertion Criteria 2022. Collection method: clinical testing. Allele origin: germline. Inheritance: Autosomal recessive inheritance. Affected: yes.
Comment: This is a nonsense variant in the NFIB gene (OMIM: 600728). Pathogenic variants in this gene have been associated with autosomal dominant acquired macrocephaly with impaired intellectual development. This variant likely occurred de novo in individuals reported in the published literature; however, the possibility of parental germline mosaicism cannot be excluded (PMID: 32902921) (PS2_Supporting). This variant introduces a premature termination codon in exon 2 out of 11 and is expected to result in loss of function, which is a known disease mechanism for NFIB in this disorder (PMID: 30388402) (PVS1). This variant has been reported in at least 2 affected individual (PMID: 30388402, 33130023) (PS4) and is absent from control populations (PM2). Based on the current evidence, this variant is classified as pathogenic for autosomal dominant acquired macrocephaly with impaired intellectual development.

Dubai Health Genomic Medicine Center, Dubai Health
Classification: Likely pathogenic for Macrocephaly. Last evaluated: 2024-10-04. Review status: criteria provided, single submitter. Criteria: ACMG Guidelines, 2015. Collection method: research. Allele origin: germline. Affected: yes.
Comment: PVS1,PM2

GeneDx
Classification: Pathogenic. Last evaluated: 2023-03-14. Review status: criteria provided, single submitter. Criteria: GeneDx Variant Classification Process June 2021. Collection method: clinical testing. Allele origin: germline. Affected: yes.
Comment: Nonsense variant predicted to result in protein truncation or nonsense mediated decay in a gene for which loss of function is a known mechanism of disease; Not observed at significant frequency in large population cohorts (gnomAD); This variant is associated with the following publications: (PMID: 32902921, 33130023, 30388402)

Women's Health and Genetics/Laboratory Corporation of America, LabCorp
Classification: Likely pathogenic for MACROCEPHALY, ACQUIRED, WITH IMPAIRED INTELLECTUAL DEVELOPMENT. Last evaluated: 2020-07-31. Review status: criteria provided, single submitter. Criteria: LabCorp Variant Classification Summary - May 2015. Collection method: clinical testing. Allele origin: germline.
Comment: Variant summary: NFIB c.265C>T (p.Arg89X) results in a premature termination codon, predicted to cause a truncation of the encoded protein or absence of the protein due to nonsense mediated decay, which are commonly known mechanisms for disease. The variant was absent in 251404 control chromosomes (gnomAD). c.265C>T has been reported in the literature in at least one individual affected with macrocephaly, developmental delays, and mild-moderate intellectual disability (e.g. Schanze_2018). To our knowledge, no experimental evidence demonstrating an impact on protein function has been reported. Four ClinVar submitters (evaluation after 2014) cite the variant as uncertain significance (n=1) and likely pathogenic/pathogenic (n=3). Based on the evidence outlined above, the variant was classified as likely pathogenic.

Genomic Medicine Lab, University of California San Francisco
Classification: Pathogenic for Macrocephaly, acquired, with impaired intellectual development. Last evaluated: 2020-01-30. Review status: criteria provided, single submitter. Criteria: ACMG Guidelines, 2015. Collection method: clinical testing. Allele origin: de novo. Inheritance: Autosomal dominant inheritance. Affected: yes. Study: CSER-P3EGS.

SIB Swiss Institute of Bioinformatics
Classification: Likely pathogenic for Macrocephaly, acquired, with impaired intellectual development. Last evaluated: 2019-10-02. Review status: criteria provided, single submitter. Criteria: ACMG Guidelines, 2015. Collection method: curation. Allele origin: unknown.
Comment: This variant is interpreted as a Likely pathogenic for Macrocephaly, acquired, with impaired intellectual development, autosomal dominant. The following ACMG Tag(s) were applied: PM2, PVS1.

Blueprint Genetics
Classification: Pathogenic for NFIB-related disorders. Last evaluated: 2019-08-08. Review status: criteria provided, single submitter. Criteria: ACMG Guidelines, 2015. Collection method: clinical testing. Allele origin: germline. Affected: yes. Observed: 1 variant allele.

Department of Human Genetics, University Hospital Magdeburg
Classification: Pathogenic for Intellectual disability; Macrocephaly. Review status: criteria provided, single submitter. Criteria: ACMG Guidelines, 2015. Collection method: research. Allele origin: unknown. Inheritance: Autosomal dominant inheritance. Affected: yes.

Biochemical Molecular Genetic Laboratory, King Abdulaziz Medical City
Classification: Likely pathogenic for Macrocephaly, acquired, with impaired intellectual development. Last evaluated: 2019-08-25. Review status: no assertion criteria provided. Collection method: clinical testing. Allele origin: germline. Affected: yes. Not counted in ClinVar's aggregate classification.

OMIM
Classification: Pathogenic for MACROCEPHALY, ACQUIRED, WITH IMPAIRED INTELLECTUAL DEVELOPMENT. Last evaluated: 2019-01-23. Review status: no assertion criteria provided. Collection method: literature only. Allele origin: germline. Not counted in ClinVar's aggregate classification.

Literature cited by the submitters: PubMed 30388402 (cited by 4 submitters); PubMed 33130023 (cited by Variantyx, Inc.); PubMed 32902921 (cited by Variantyx, Inc.).